The following is an entry in ClinVar:

ClinVar aggregate classification (germline): Benign (1 of 4 stars; one submission).

gnomAD v4.1: 14,152 of 1,612,424 alleles (0.88%); highest among the groups gnomAD compares: Non-Finnish European, 1.1%; 73 homozygotes.

Submission:

CeGaT Center for Human Genetics Tuebingen
Classification: Benign. Last evaluated: 2024-10-01. Review status: criteria provided, single submitter. Criteria: CeGaT Center For Human Genetics Tuebingen Variant Classification Criteria Version 2. Collection method: clinical testing. Allele origin: germline. Affected: yes. Observed: 1 variant allele.
Comment: MYO10: BS1, BS2

NM_012334.3(MYO10):c.367C>T (p.Arg123Trp)

Gene: MYO10 (myosin X; minus strand). Cytogenetic location: 5p15.1.
Variant type: single nucleotide variant.
Coding change: c.367C>T on transcript NM_012334.3 (MANE Select); coding-DNA position 367, C replaced by T.
Protein change: p.Arg123Trp; replaces arginine 123 with tryptophan.
Molecular consequence: missense variant.
Genome position (GRCh38, 1-based): chr5:16,794,746, G>A on the plus strand (C>T on the coding strand, the complement: MYO10 is on the minus strand). VCF-style: chr5-16794746-G-A. GRCh37 (hg19) VCF-style: chr5-16794855-G-A.
Other names: short protein forms R123W.
Identifiers: ClinVar variation 3388041 (VCV003388041.14).